The following is an entry in ClinVar:

NM_003737.4(DCHS1):c.5475A>G (p.Ile1825Met)

Gene: DCHS1 (dachsous cadherin-related 1; minus strand). Cytogenetic location: 11p15.4.
Variant type: single nucleotide variant.
Coding change: c.5475A>G on transcript NM_003737.4 (MANE Select); coding-DNA position 5475, A replaced by G.
Protein change: p.Ile1825Met; replaces isoleucine 1825 with methionine.
Molecular consequence: missense variant.
Genome position (GRCh38, 1-based): chr11:6,627,564, T>C on the plus strand (A>G on the coding strand, the complement: DCHS1 is on the minus strand). VCF-style: chr11-6627564-T-C. GRCh37 (hg19) VCF-style: chr11-6648795-T-C.
Other names: short protein forms I1825M.
Identifiers: ClinVar variation 1719887 (VCV001719887.5), dbSNP rs2493819616, ClinGen allele CA379394799.

ClinVar aggregate classification (germline): Uncertain significance (1 of 4 stars; one submission).

gnomAD v4.1: 2 of 1,612,922 alleles (0.00012%); no homozygotes.

Submission:

Labcorp Genetics (formerly Invitae), Labcorp
Classification: Uncertain significance. Last evaluated: 2022-09-20. Review status: criteria provided, single submitter. Criteria: Invitae Variant Classification Sherloc (09022015). Collection method: clinical testing. Allele origin: germline.
Comment: This sequence change replaces isoleucine, which is neutral and non-polar, with methionine, which is neutral and non-polar, at codon 1825 of the DCHS1 protein (p.Ile1825Met). This variant has not been reported in the literature in individuals affected with DCHS1-related conditions. This variant is not present in population databases (gnomAD no frequency). In summary, the available evidence is currently insufficient to determine the role of this variant in disease. Therefore, it has been classified as a Variant of Uncertain Significance. Advanced modeling of protein sequence and biophysical properties (such as structural, functional, and spatial information, amino acid conservation, physicochemical variation, residue mobility, and thermodynamic stability) has been performed at Invitae for this missense variant, however the output from this modeling did not meet the statistical confidence thresholds required to predict the impact of this variant on DCHS1 protein function.